The following is an entry in ClinVar:

ClinVar aggregate classification (germline): Uncertain significance (1 of 4 stars; one submission).

Conditions:
Epilepsy, progressive myoclonic, 1B. Also called: PME. Identifiers: Orphanet 308, MedGen C2676254, MONDO:0012904, OMIM 612437.

Allele frequency attached by ClinVar (database versions not stated): gnomAD exomes below 0.00001 and 0.00002; TOPMed below 0.00001.
gnomAD v4.1: 6 of 1,613,766 alleles (0.00037%); highest among the groups gnomAD compares: East Asian, 0.0067%; no homozygotes.

Submission:

Labcorp Genetics (formerly Invitae), Labcorp
Classification: Uncertain significance for Epilepsy, progressive myoclonic, 1B. Last evaluated: 2024-11-04. Review status: criteria provided, single submitter. Criteria: Invitae Variant Classification Sherloc (09022015). Collection method: clinical testing. Allele origin: germline.
Comment: This sequence change replaces glutamic acid, which is acidic and polar, with aspartic acid, which is acidic and polar, at codon 611 of the PRICKLE1 protein (p.Glu611Asp). This variant is present in population databases (rs749854195, gnomAD 0.03%). This variant has not been reported in the literature in individuals affected with PRICKLE1-related conditions. ClinVar contains an entry for this variant (Variation ID: 1464028). Invitae Evidence Modeling of protein sequence and biophysical properties (such as structural, functional, and spatial information, amino acid conservation, physicochemical variation, residue mobility, and thermodynamic stability) indicates that this missense variant is not expected to disrupt PRICKLE1 protein function with a negative predictive value of 80%. In summary, the available evidence is currently insufficient to determine the role of this variant in disease. Therefore, it has been classified as a Variant of Uncertain Significance.

NM_153026.3(PRICKLE1):c.1833G>C (p.Glu611Asp)

Gene: PRICKLE1 (prickle planar cell polarity protein 1; minus strand). Cytogenetic location: 12q12.
Variant type: single nucleotide variant.
Coding change: c.1833G>C on transcript NM_153026.3 (MANE Select); coding-DNA position 1833, G replaced by C.
Protein change: p.Glu611Asp; replaces glutamic acid 611 with aspartic acid.
Molecular consequence: missense variant.
Genome position (GRCh38, 1-based): chr12:42,460,472, C>G on the plus strand (G>C on the coding strand, the complement: PRICKLE1 is on the minus strand). VCF-style: chr12-42460472-C-G. GRCh37 (hg19) VCF-style: chr12-42854274-C-G.
Other names: c.1833G>C, p.Glu611Asp (NM_001144881.2, NM_001144882.2, NM_001144883.2); short protein forms E611D.
Identifiers: ClinVar variation 1464028 (VCV001464028.8), dbSNP rs749854195, ClinGen allele CA6519689.
Genomic context (GRCh38, chr12:42,460,472, plus strand): 5'-GACCTGCTGGGGTCTGGATTGAGACTTGGACCTTCTGAGCACTGGCAGATGTACTGGCTT[C>G]TCTTCAGGCAGGATTTTCTCTGGACACAACTCTGAACTTAGACTCTTTAAGGACTCTGCA-3'
Protein context (NP_694571.2, residues 601-621): ELCPEKILPE[Glu611Asp]KPVHLPVLRR